The following is an entry in ClinVar:

ClinVar aggregate classification (germline): Uncertain significance. Review status: criteria provided, multiple submitters, no conflicts (2 of 4 stars). 2 submissions from 2 submitters: Uncertain significance (2). Last evaluated 2025-01-27.

gnomAD v4.1: 2 of 1,613,878 alleles (0.00012%); highest among the groups gnomAD compares: Non-Finnish European, 0.00017%; no homozygotes.

Submissions (2):

Ambry Genetics
Classification: Uncertain significance. Last evaluated: 2025-01-27. Review status: criteria provided, single submitter. Criteria: Ambry Variant Classification Scheme 2023. Collection method: clinical testing. Allele origin: germline.
Comment: The p.G706V variant (also known as c.2117G>T), located in coding exon 12 of the ATRIP gene, results from a G to T substitution at nucleotide position 2117. The glycine at codon 706 is replaced by valine, an amino acid with dissimilar properties. This amino acid position is conserved. In addition, this alteration is predicted to be tolerated by in silico analysis. Based on the available evidence, the clinical significance of this variant remains unclear.

Labcorp Genetics (formerly Invitae), Labcorp
Classification: Uncertain significance. Last evaluated: 2024-07-30. Review status: criteria provided, single submitter. Criteria: Invitae Variant Classification Sherloc (09022015). Collection method: clinical testing. Allele origin: germline.
Comment: This sequence change replaces glycine, which is neutral and non-polar, with valine, which is neutral and non-polar, at codon 706 of the ATRIP protein (p.Gly706Val). This variant is present in population databases (no rsID available, gnomAD 0.0009%). This variant has not been reported in the literature in individuals affected with ATRIP-related conditions. An algorithm developed to predict the effect of missense changes on protein structure and function (PolyPhen-2) suggests that this variant is likely to be tolerated. In summary, the available evidence is currently insufficient to determine the role of this variant in disease. Therefore, it has been classified as a Variant of Uncertain Significance.

NM_130384.3(ATRIP):c.2117G>T (p.Gly706Val)

Genes: ATRIP (ATR interacting protein; plus strand), ATRIP-TREX1 (ATRIP-TREX1 readthrough; plus strand). Cytogenetic location: 3p21.31.
Variant type: single nucleotide variant.
Coding change: c.2117G>T on transcript NM_130384.3 (MANE Select); coding-DNA position 2117, G replaced by T.
Protein change: p.Gly706Val; replaces glycine 706 with valine.
Molecular consequence: missense variant. On other transcripts: non-coding transcript variant (1).
Genome position (GRCh38, 1-based): chr3:48,464,892, G>T. VCF-style: chr3-48464892-G-T. GRCh37 (hg19) VCF-style: chr3-48506291-G-T.
Other names: c.2117G>T (NM_130384.1); c.1736G>T, p.Gly579Val (NM_001271022.2); c.1838G>T, p.Gly613Val (NM_001271023.2); c.2036G>T, p.Gly679Val (NM_032166.4); short protein forms G613V, G706V, G579V, G679V.
Identifiers: ClinVar variation 3680000 (VCV003680000.3).